The following is an entry in ClinVar:

NM_000135.4(FANCA):c.137C>G (p.Ser46Ter)

Gene: FANCA (FA complementation group A; minus strand). Cytogenetic location: 16q24.3.
Variant type: single nucleotide variant.
Coding change: c.137C>G on transcript NM_000135.4 (MANE Select); coding-DNA position 137, C replaced by G.
Protein change: p.Ser46Ter; replaces serine 46 with a stop codon.
Molecular consequence: nonsense.
Genome position (GRCh38, 1-based): chr16:89,815,929, G>C on the plus strand (C>G on the coding strand, the complement: FANCA is on the minus strand). VCF-style: chr16-89815929-G-C. GRCh37 (hg19) VCF-style: chr16-89882337-G-C.
Other names: c.137C>G, p.Ser46Ter (NM_001018112.3, NM_001286167.3, NM_001351830.2); short protein forms S46*.
Identifiers: ClinVar variation 1454438 (VCV001454438.6), dbSNP rs2041098068, ClinGen allele CA397483405.
Genomic context (GRCh38, chr16:89,815,929, plus strand): 5'-CCTCTTACCTCAAGCAAAAGGGCATTCAGGTCCTGATGGCTTCGCAGGAGGCGCACAGCT[G>C]ATTCCTTTAATTTCTGTGCCCTTTCAGGATTATATTTTTCCCTCTTGACCCTTCCCGCTA-3'

ClinVar aggregate classification (germline): Pathogenic (1 of 4 stars; one submission).

Conditions:
Fanconi anemia (FA). Also called: Fanconi's anemia. Identifiers: Orphanet 84, MedGen C0015625, MeSH D005199, MONDO:0019391.

Submission:

Labcorp Genetics (formerly Invitae), Labcorp
Classification: Pathogenic for Fanconi anemia. Last evaluated: 2020-12-20. Review status: criteria provided, single submitter. Criteria: Invitae Variant Classification Sherloc (09022015). Collection method: clinical testing. Allele origin: germline.
Comment: For these reasons, this variant has been classified as Pathogenic. This variant has not been reported in the literature in individuals with FANCA-related conditions. This variant is not present in population databases (ExAC no frequency). This sequence change creates a premature translational stop signal (p.Ser46*) in the FANCA gene. It is expected to result in an absent or disrupted protein product. Loss-of-function variants in FANCA are known to be pathogenic (PMID: 19367192).

Literature cited by the submitters: PubMed 19367192.